The following is an entry in ClinVar:

NM_021831.6(AGBL5):c.1209G>A (p.Trp403Ter)

Gene: AGBL5 (AGBL carboxypeptidase 5; plus strand). Cytogenetic location: 2p23.3.
Variant type: single nucleotide variant.
Coding change: c.1209G>A on transcript NM_021831.6 (MANE Select); coding-DNA position 1209, G replaced by A.
Protein change: p.Trp403Ter; replaces tryptophan 403 with a stop codon.
Molecular consequence: nonsense. On other transcripts: non-coding transcript variant (2).
Genome position (GRCh38, 1-based): chr2:27,055,982, G>A. VCF-style: chr2-27055982-G-A. GRCh37 (hg19) VCF-style: chr2-27278850-G-A.
Other names: c.1209G>A, p.Trp403Ter (NM_001035506.1, NM_001035507.3); short protein forms W403*.
Identifiers: ClinVar variation 2129388 (VCV002129388.4), dbSNP rs1464584026, ClinGen allele CA346179935.

ClinVar aggregate classification (germline): Pathogenic (1 of 4 stars; one submission).

Allele frequency attached by ClinVar (database versions not stated): gnomAD exomes below 0.00001.
gnomAD v4.1: 1 of 1,614,224 alleles (0.000062%); highest among the groups gnomAD compares: Non-Finnish European, 0.000085%; no homozygotes.

Submission:

Labcorp Genetics (formerly Invitae), Labcorp
Classification: Pathogenic. Last evaluated: 2024-02-24. Review status: criteria provided, single submitter. Criteria: Invitae Variant Classification Sherloc (09022015). Collection method: clinical testing. Allele origin: germline.
Comment: This sequence change creates a premature translational stop signal (p.Trp403*) in the AGBL5 gene. It is expected to result in an absent or disrupted protein product. Loss-of-function variants in AGBL5 are known to be pathogenic (PMID: 27764769, 27842159). This variant is not present in population databases (gnomAD no frequency). This variant has not been reported in the literature in individuals affected with AGBL5-related conditions. ClinVar contains an entry for this variant (Variation ID: 2129388). For these reasons, this variant has been classified as Pathogenic.

Literature cited by the submitters: PubMed 27764769; PubMed 27842159.